The following is an entry in ClinVar:

NM_001110556.2(FLNA):c.1576G>A (p.Glu526Lys)

Gene: FLNA (filamin A; minus strand). Cytogenetic location: Xq28.
Variant type: single nucleotide variant.
Coding change: c.1576G>A on transcript NM_001110556.2 (MANE Select); coding-DNA position 1576, G replaced by A.
Protein change: p.Glu526Lys; replaces glutamic acid 526 with lysine.
Molecular consequence: missense variant.
Genome position (GRCh38, 1-based): chrX:154,365,251, C>T on the plus strand (G>A on the coding strand, the complement: FLNA is on the minus strand). VCF-style: chrX-154365251-C-T. GRCh37 (hg19) VCF-style: chrX-153593619-C-T.
Other names: c.1576G>A, p.Glu526Lys (NM_001456.4); short protein forms E526K.
Identifiers: ClinVar variation 3750160 (VCV003750160.2).

ClinVar aggregate classification (germline): Uncertain significance (1 of 4 stars; one submission).

Conditions:
Melnick-Needles syndrome (MNS). Also called: MELNICK-NEEDLES OSTEODYSPLASTY; OSTEODYSPLASTY OF MELNICK AND NEEDLES; Melnick-Needles Syndrome (FLNA-MNS). Identifiers: Orphanet 2484, MedGen C0025237, MONDO:0010650, OMIM 309350.
Frontometaphyseal dysplasia (FMD1). Identifiers: Orphanet 1826, MedGen C0265293, MONDO:0015942.
Heterotopia, periventricular, X-linked dominant (PVNH1). Also called: PERIVENTRICULAR NODULAR HETEROTOPIA 1; X-linked periventricular heterotopia; PERIVENTRICULAR NODULAR HETEROTOPIA 4; HETEROTOPIA, PERIVENTRICULAR, 1. Identifiers: Orphanet 2149, Orphanet 82004, MedGen C1848213, MONDO:0010233, OMIM 300049.
Oto-palato-digital syndrome, type II (OPD2). Also called: FACIOPALATOOSSEOUS SYNDROME; OPD II SYNDROME; Otopalatodigital Syndrome, Type II; Otopalatodigital Syndrome Type 2 (FLNA-OPD2). Identifiers: Orphanet 669, Orphanet 90652, MedGen C1844696, MONDO:0010571, OMIM 304120.

Submission:

Labcorp Genetics (formerly Invitae), Labcorp
Classification: Uncertain significance for Oto-palato-digital syndrome, type II; Heterotopia, periventricular, X-linked dominant; Frontometaphyseal dysplasia; Melnick-Needles syndrome. Last evaluated: 2024-10-22. Review status: criteria provided, single submitter. Criteria: Invitae Variant Classification Sherloc (09022015). Collection method: clinical testing. Allele origin: germline.
Comment: This sequence change replaces glutamic acid, which is acidic and polar, with lysine, which is basic and polar, at codon 526 of the FLNA protein (p.Glu526Lys). This variant is not present in population databases (gnomAD no frequency). This variant has not been reported in the literature in individuals affected with FLNA-related conditions. Invitae Evidence Modeling of protein sequence and biophysical properties (such as structural, functional, and spatial information, amino acid conservation, physicochemical variation, residue mobility, and thermodynamic stability) indicates that this missense variant is not expected to disrupt FLNA protein function with a negative predictive value of 95%. In summary, the available evidence is currently insufficient to determine the role of this variant in disease. Therefore, it has been classified as a Variant of Uncertain Significance.